The following is an entry in ClinVar:

ClinVar aggregate classification (germline): Uncertain significance (1 of 4 stars; one submission).

Conditions:
Episodic kinesigenic dyskinesia (EKD). Also called: Paroxysmal kinesigenic dyskinesia. Identifiers: Orphanet 98809, MedGen C1868682, MONDO:0044202.

Submission:

Labcorp Genetics (formerly Invitae), Labcorp
Classification: Uncertain significance for Paroxysmal kinesigenic dyskinesia. Last evaluated: 2019-09-24. Review status: criteria provided, single submitter. Criteria: Invitae Variant Classification Sherloc (09022015). Collection method: clinical testing. Allele origin: germline.
Comment: This variant results in a copy number gain of the genomic region encompassing the full coding sequence of the PRRT2 gene. The boundaries of this event are unknown as they extend beyond the assayed region for this gene and therefore may encompass additional genes. As the precise location of this event is unknown, it may be in tandem or it may be located elsewhere in the genome. A focal copy number gain involving only PRRT2 has not been reported in the literature but a gain of PRRT2 has been observed to be homozygous or hemizygous in an individual who was not affected with PRRT2-related disease (Invitae). However, a larger recurrent duplication of 550 kb that includes the entire PRRT2 gene and 27 neighboring genes has been reported in individuals with a 16p11.2 duplication syndrome (PMID: 24372385, 26629640, 19914906, 25421402, 26742926). ClinVar contains an entry for this variant (Variation ID: 468612). Experimental studies are not available for this variant, and the functional significance of a copy number gain of this gene is currently unknown. In summary, the available evidence is currently insufficient to determine the role of this variant in disease. Therefore, it has been classified as a Variant of Uncertain Significance.

Literature cited by the submitters: PubMed 25421402; PubMed 26742926; PubMed 26629640; PubMed 24372385; PubMed 19914906.

NC_000016.9:g.(?_29824366)_(29825969_?)dup

Genes: MVP-DT (MVP divergent transcript; minus strand), PRRT2 (proline rich transmembrane protein 2; plus strand). Cytogenetic location: 16p11.2.
Variant type: Duplication.
Identifiers: ClinVar variation 647940 (VCV000647940.2).